The following is an entry in ClinVar:

NM_001352514.2(HLCS):c.1063_1064del (p.Asp355fs)

Gene: HLCS (holocarboxylase synthetase; minus strand). Cytogenetic location: 21q22.13.
Variant type: Microsatellite.
Coding change: c.1063_1064del on transcript NM_001352514.2 (MANE Select); coding-DNA positions 1063 to 1064, 2 bases deleted (GA; older notation c.1063_1064delGA).
Protein change: p.Asp355fs; shifts the reading frame from aspartic acid 355.
Molecular consequence: frameshift variant. On other transcripts: non-coding transcript variant (2).
Genome position (GRCh38, 1-based): chr21:36,936,822-36,936,823, TC deleted on the plus strand (GA on the coding strand, the reverse complement: HLCS is on the minus strand); deleting any 2 consecutive bases within chr21:36,936,822-36,936,826 gives the same sequence; the c. name uses the placement nearest the transcript's 3' end. VCF-style (leftmost placement, unchanged base first): chr21-36936821-GTC-G. GRCh37 (hg19) VCF-style: chr21-38309121-GTC-G.
Other names: c.622_623del, p.Asp208fs (NM_000411.8, NM_001242784.3, NM_001242785.2 and 4 more transcripts); short protein forms D208fs, D355fs.
Identifiers: ClinVar variation 2676025 (VCV002676025.4), dbSNP rs2517578591, ClinGen allele CA2695201447.

ClinVar aggregate classification (germline): Pathogenic (1 of 4 stars; one submission).

Conditions:
Holocarboxylase synthetase deficiency. Also called: MULTIPLE CARBOXYLASE DEFICIENCY, EARLY ONSET. Identifiers: Orphanet 79242, MedGen C0268581, MONDO:0009666, OMIM 253270.

Submission:

Labcorp Genetics (formerly Invitae), Labcorp
Classification: Pathogenic for Holocarboxylase synthetase deficiency. Last evaluated: 2024-07-23. Review status: criteria provided, single submitter. Criteria: Invitae Variant Classification Sherloc (09022015). Collection method: clinical testing. Allele origin: germline.
Comment: This sequence change creates a premature translational stop signal (p.Asp208Profs*68) in the HLCS gene. It is expected to result in an absent or disrupted protein product. Loss-of-function variants in HLCS are known to be pathogenic (PMID: 16134170). This variant is not present in population databases (gnomAD no frequency). This variant has not been reported in the literature in individuals affected with HLCS-related conditions. For these reasons, this variant has been classified as Pathogenic.

Literature cited by the submitters: PubMed 16134170.